The following is an entry in ClinVar:

G6PD A-

Variant type: Haplotype.
Identifiers: ClinVar variation 10361 (VCV000010361.6).

ClinVar aggregate classification (germline): Likely pathogenic/Established risk allele. Review status: criteria provided, multiple submitters, no conflicts (2 of 4 stars). 3 submissions from 3 submitters: Likely pathogenic (1); Established risk allele (1). 1 of the submissions does not count toward it. Last evaluated 2025-06-11.

Conditions:
G6PD deficiency. Also called: G6PD A-. Identifiers: MedGen C2939465, MONDO:0005775.
Anemia, nonspherocytic hemolytic, due to G6PD deficiency (CNSHA1). Also called: Hemolytic anemia due to G6PD deficiency; Favism, susceptibility to; Class I glucose-6-phosphate dehydrogenase deficiency; ANEMIA, CONGENITAL, NONSPHEROCYTIC HEMOLYTIC, 1. Identifiers: Orphanet 466026, MedGen C2720289, MONDO:0010480, OMIM 300908.

Submissions (3):

New York Genome Center
Classification: Established risk allele for Anemia, nonspherocytic hemolytic, due to G6PD deficiency. Last evaluated: 2025-06-11. Review status: criteria provided, single submitter. Criteria: NYGC Assertion Criteria 2020. Collection method: clinical testing. Allele origin: inherited. Observed: 10 variant alleles, 1 homozygote, 9 hemizygotes. Clinical features observed: Limited neck range of motion (HP:0000466), Lower extremity hypokinesia (HP:0033414), Clubfoot (HP:0001762), Distal arthrogryposis (HP:0005684), Mild fetal ventriculomegaly (HP:0010952), Dilated third ventricle (HP:0007082), Fetal megacystis (HP:0010956), Cardiomyopathy (HP:0001638), Ventricular septal defect (HP:0001629), Cardiomegaly (HP:0001640), Atrial septal dilatation (HP:0011995), Renal agenesis (HP:0000104), and 3 more. Study: PrenatalSEQ.
Comment: The c.202G>A and c.376A>G variants in G6PD exist as a haplotype commonly known as G6PD A- or A- 202A/376G haplotype. This haplotype is found at frequencies up to 24% in African populations and has also been described as Distrito Federal, Matera, Betica, Castilla, Alabama, Tepic, Ferrara, Laghouat and Kabyle, found in populations from around the world [PMID:12064901, 3393536, 7906668, 2572288, 10747271, 18494377, 2321910]. The G6PD A- enzyme has a Class III phenotype according to the WHO classification, conferring moderate enzyme deficiency of between 10-60% activity, and has been associated with hemolytic anemia [PMID:2633878, 12064901, 10747271]. Associations with G6PD A- haplotype and drug response have also been described (PharmGKB ID: PA166169539). Based on available evidence, this A- 202A/ 376G haplotype in G6PD in this individual is classified as a Risk factor associated with hemolytic anemia.

Dunham Lab, University of Washington
Classification: Likely pathogenic for Anemia, nonspherocytic hemolytic, due to G6PD deficiency. Last evaluated: 2022-08-12. Review status: criteria provided, single submitter. Criteria: Bayesian ACMG Guidelines, 2018. Collection method: curation. Allele origin: unknown. Affected: yes.
Comment: Variant found in hemizygotes with G6PD deficiency, some with anemia, favism, and jaundice (PP4). Decreased activity in red blood cells of hemizygotes (6-60%) (PS3). Variant and phenotype inheritance from mother to son recorded in two families (PP1), and also identified in unrelated individuals (PS4_M). Post_P 0.975 (odds of pathogenicity 350.3, Prior_P 0.1).

OMIM
Classification: Pathogenic for G6PD A-. Last evaluated: 2000-03-31. Review status: no assertion criteria provided. Collection method: literature only. Allele origin: germline. Not counted in ClinVar's aggregate classification.

Literature cited by the submitters: PubMed 12064901 (cited by New York Genome Center); PubMed 3393536 (cited by 3 submitters); PubMed 7906668 (cited by New York Genome Center); PubMed 2572288 (cited by 3 submitters); PubMed 10747271 (cited by New York Genome Center); PubMed 18494377 (cited by New York Genome Center); PubMed 2321910 (cited by New York Genome Center and Dunham Lab, University of Washington); PubMed 5641629 (cited by Dunham Lab, University of Washington); PubMed 8447319 (cited by Dunham Lab, University of Washington); PubMed 23006493 (cited by Dunham Lab, University of Washington); PubMed 22452742 (cited by Dunham Lab, University of Washington); PubMed 33072997 (cited by Dunham Lab, University of Washington); PubMed 7803800 (cited by Dunham Lab, University of Washington); PubMed 33636823 (cited by Dunham Lab, University of Washington); PubMed 24134566 (cited by Dunham Lab, University of Washington); PubMed 12064920 (cited by Dunham Lab, University of Washington); PubMed 8244337 (cited by Dunham Lab, University of Washington); PubMed 8370579 (cited by Dunham Lab, University of Washington); PubMed 2253938 (cited by Dunham Lab, University of Washington and OMIM); PubMed 18226470 (cited by Dunham Lab, University of Washington); PubMed 7959686 (cited by Dunham Lab, University of Washington); PubMed 22770933 (cited by Dunham Lab, University of Washington); PubMed 22906837 (cited by Dunham Lab, University of Washington); PubMed 27519946 (cited by Dunham Lab, University of Washington); PubMed 21479984 (cited by Dunham Lab, University of Washington); PubMed 9250351 (cited by Dunham Lab, University of Washington); PubMed 6015571 (cited by Dunham Lab, University of Washington); PubMed 25071003 (cited by Dunham Lab, University of Washington); PubMed 12367584 (cited by Dunham Lab, University of Washington); PubMed 903703 (cited by Dunham Lab, University of Washington and OMIM); PubMed 21637675 (cited by Dunham Lab, University of Washington); PubMed 34966093 (cited by Dunham Lab, University of Washington); PubMed 7577654 (cited by Dunham Lab, University of Washington); PubMed 9233561 (cited by Dunham Lab, University of Washington); PubMed 5448 (cited by OMIM); PubMed 5492291 (cited by OMIM); PubMed 2503817 (cited by OMIM); PubMed 4388132 (cited by OMIM); PubMed 2836867 (cited by OMIM); Beutler, E., Matsumoto, F. A new glucose 6-phosphate dehydrogenase variant: G6PD (-) Los Angeles. I.R.C.S. 5: 89, 1977. (cited by OMIM); PubMed 1978554 (cited by OMIM); PubMed 669721 (cited by OMIM); PubMed 7291768 (cited by OMIM); PubMed 7106752 (cited by OMIM); PubMed 2912886 (cited by OMIM); PubMed 1303173 (cited by OMIM); PubMed 10734064 (cited by OMIM).